The following is an entry in ClinVar:

ClinVar aggregate classification (germline): Conflicting classifications of pathogenicity. Review status: criteria provided, conflicting classifications (1 of 4 stars). 13 submissions from 13 submitters: Uncertain significance (11); Benign (1); Likely benign (1). Last evaluated 2026-02-08.

Conditions:
MSH6-related disorder. Also called: MSH6-related condition; MSH6-Related disorders.
Hereditary nonpolyposis colorectal neoplasms. Identifiers: MedGen C0009405, MeSH D003123.
Hereditary cancer-predisposing syndrome. Also called: Neoplastic Syndromes, Hereditary; Tumor predisposition; Hereditary neoplastic syndrome; Hereditary Cancer Syndrome. Identifiers: Orphanet 140162, MedGen C0027672, MeSH D009386, MONDO:0015356.
Lynch syndrome. Identifiers: Orphanet 144, MedGen C4552100, MONDO:0005835. Disease mechanism: loss of function.
Hereditary breast ovarian cancer syndrome. Also called: Hereditary breast and/or ovarian cancer syndrome; Hereditary breast and ovarian cancer syndrome; Hereditary breast and ovarian cancer; Hereditary breast and ovarian cancer syndrome (HBOC); Breast and ovarian cancer; BRCA1- and BRCA2-Associated Hereditary Breast and Ovarian Cancer. Identifiers: Orphanet 145, MedGen C0677776, MeSH D061325, MONDO:0003582. Disease mechanism: loss of function.
Lynch syndrome 5 (LYNCH5). Also called: Colorectal cancer, hereditary nonpolyposis, type 5; Hereditary non-polyposis colorectal cancer, type 5. Identifiers: Orphanet 144, MedGen C1833477, MONDO:0013710, OMIM 614350. Disease mechanism: loss of function.
Endometrial carcinoma. Also called: Endometrial carcinoma, somatic. Identifiers: MedGen C0476089, MONDO:0002447, OMIM 608089, HP:0012114.

Allele frequency attached by ClinVar (database versions not stated): gnomAD 0.00001 and 0.00002; gnomAD exomes 0.00001; ExAC 0.00002; TOPMed 0.00003; ESP Exome Variant Server 0.00008.
gnomAD v4.1: 15 of 1,613,962 alleles (0.00093%); highest among the groups gnomAD compares: Middle Eastern, 0.016%; no homozygotes.

Submissions 1 to 9 of 13:

PreventionGenetics, part of Exact Sciences
Classification: Uncertain significance for MSH6-related condition. Last evaluated: 2026-02-08. Review status: criteria provided, single submitter. Criteria: ACMG Guidelines, 2015. Collection method: clinical testing. Allele origin: germline.
Comment: The MSH6 c.728G>A variant is predicted to result in the amino acid substitution p.Arg243His. This variant was reported in individuals with ovarian cancer (Lu et al. 2015. PubMed ID: 26689913) and prostate cancer (Brady et al. 2022. PubMed ID: 35467778). This variant was also found in control individuals in studies of breast cancer and colorectal cancer variants (Akcay et al. 2020. PubMed ID: 32658311) and pancreatic cancer variants (Mizukami et al. 2020. PubMed ID: 32980694). This variant is reported in 0.0062% of alleles in individuals of African descent in gnomAD and has conflicting interpretations ranging from benign to uncertain significance in ClinVar (Variation ID: 182611). At this time, the clinical significance of this variant is uncertain due to the absence of conclusive functional and genetic evidence.

Labcorp Genetics (formerly Invitae), Labcorp
Classification: Benign for Hereditary nonpolyposis colorectal neoplasms. Last evaluated: 2026-01-31. Review status: criteria provided, single submitter. Criteria: Invitae Variant Classification Sherloc (09022015). Collection method: clinical testing. Allele origin: germline.

Ambry Genetics
Classification: Uncertain significance for Hereditary cancer-predisposing syndrome. Last evaluated: 2025-04-10. Review status: criteria provided, single submitter. Criteria: Ambry Variant Classification Scheme 2023. Collection method: clinical testing. Allele origin: germline.
Comment: The p.R243H variant (also known as c.728G>A), located in coding exon 4 of the MSH6 gene, results from a G to A substitution at nucleotide position 728. The arginine at codon 243 is replaced by histidine, an amino acid with highly similar properties. This variant has been reported in an individual diagnosed with ovarian cancer from a cohort of 4034 cancer cases from The Cancer Genome Atlas (Lu C et al. Nat Commun, 2015 Dec;6:10086). This variant was not seen in 732 breast cancer patients or 189 colorectal cancer patients but detected in 1/490 cancer-free elderly controls in a Turkish population (Akcay IM et al. Int J Cancer, 2021 Jan;148:285-295). This amino acid position is not well conserved in available vertebrate species. In addition, the in silico prediction for this alteration is inconclusive. Based on the available evidence, the clinical significance of this variant remains unclear.

Color Diagnostics, LLC DBA Color Health
Classification: Uncertain significance for Hereditary cancer-predisposing syndrome. Last evaluated: 2025-02-03. Review status: criteria provided, single submitter. Criteria: ACMG Guidelines, 2015. Collection method: clinical testing. Allele origin: germline.
Comment: This missense variant replaces arginine with histidine at codon 243 of the MSH6 protein. Computational prediction suggests that this variant may not impact protein structure and function (internally defined REVEL score threshold <= 0.5, PMID: 27666373). To our knowledge, functional studies have not been reported for this variant. This variant has been reported in individuals affected with ovarian cancer (PMID: 26689913), colorectal cancer (PMID: 29245953), and unspecified advanced cancer (PMID: 28873162). This variant has been identified in 15/1613962 chromosomes in the general population by the Genome Aggregation Database (gnomAD) and in healthy control individuals (PMID: 32980694). The available evidence is insufficient to determine the role of this variant in disease conclusively. Therefore, this variant is classified as a Variant of Uncertain Significance.

Myriad Genetics, Inc.
Classification: Likely benign for Lynch syndrome 5. Last evaluated: 2024-12-19. Review status: criteria provided, single submitter. Criteria: Myriad Autosomal Dominant, Autosomal Recessive and X-Linked Classification Criteria (2023). Collection method: clinical testing. Allele origin: unknown.
Comment: This variant is considered likely benign. This variant is strongly associated with less severe personal and family histories of cancer, typical for individuals without pathogenic variants in this gene [PMID: 27363726].

Molecular Pathology, Peter Maccallum Cancer Centre
Classification: Uncertain significance for Lynch syndrome 5. Last evaluated: 2024-04-20. Review status: criteria provided, single submitter. Criteria: ACMG Guidelines, 2015. Collection method: clinical testing. Allele origin: germline. Inheritance: Autosomal dominant inheritance.

Quest Diagnostics Nichols Institute San Juan Capistrano
Classification: Uncertain significance. Last evaluated: 2024-04-19. Review status: criteria provided, single submitter. Criteria: Quest Diagnostics criteria. Collection method: clinical testing. Allele origin: unknown.
Comment: The MSH6 c.728G>A (p.Arg243His) variant has been reported in the published literature in individuals with colorectal cancer (PMID: 29245953 (2017)), prostate cancer (PMID: 35467778 (2022)), breast cancer (PMID: 35534704 (2022), 33471991 (2021), see also LOVD), ovarian cancer (PMID: 26689913 (2015)), as well as in reportedly healthy individuals (PMIDs: 32658311 (2021), 32980694 (2020), 36243179 (2022)). The frequency of this variant in the general population, 0.000012 (3/251062 chromosomes (Genome Aggregation Database)), is uninformative in the assessment of its pathogenicity. Analysis of this variant using bioinformatics tools for the prediction of the effect of amino acid changes on protein structure and function yielded predictions that this variant is benign. Based on the available information, we are unable to determine the clinical significance of this variant.

Baylor Genetics
Classification: Uncertain significance for Endometrial carcinoma. Last evaluated: 2024-02-10. Review status: criteria provided, single submitter. Criteria: ACMG Guidelines, 2015. Collection method: clinical testing. Allele origin: unknown.

All of Us Research Program, National Institutes of Health
Classification: Uncertain significance for Lynch syndrome. Last evaluated: 2023-12-13. Review status: criteria provided, single submitter. Criteria: ACMG Guidelines, 2015. Collection method: clinical testing. Allele origin: germline. Inheritance: Autosomal dominant inheritance. Observed: 4 variant alleles, 4 heterozygotes.
Comment: This missense variant replaces arginine with histidine at codon 243 of the MSH6 protein. Computational prediction suggests that this variant may not impact protein structure and function (internally defined REVEL score threshold <= 0.5, PMID: 27666373). Splice site prediction tools suggest that this variant may not impact RNA splicing. To our knowledge, functional studies have not been reported for this variant. This variant has been reported in individuals affected with ovarian cancer (PMID: 26689913), colorectal cancer (PMID: 29245953), or an unspecified advanced cancer (PMID: 28873162). This variant has been identified in 3/251062 chromosomes in the general population by the Genome Aggregation Database (gnomAD) and in healthy control individuals (PMID: 32980694). The available evidence is insufficient to determine the role of this variant in disease conclusively. Therefore, this variant is classified as a Variant of Uncertain Significance.

This study involves interpretation of variants in research participants for the purpose of population health screening. Participant phenotype was not available at the time of variant classification. Additional details can be found in publication PMID: 35346344, PMCID: PMC8962531

NM_000179.3(MSH6):c.728G>A (p.Arg243His)

Gene: MSH6 (mutS homolog 6; plus strand). Cytogenetic location: 2p16.3.
Variant type: single nucleotide variant.
Coding change: c.728G>A on transcript NM_000179.3 (MANE Select); coding-DNA position 728, G replaced by A.
Protein change: p.Arg243His; replaces arginine 243 with histidine.
Molecular consequence: missense variant. On other transcripts: 5 prime UTR variant (2).
Genome position (GRCh38, 1-based): chr2:47,798,711, G>A. VCF-style: chr2-47798711-G-A. GRCh37 (hg19) VCF-style: chr2-48025850-G-A.
Other names: p.R243H:CGC>CAC; c.338G>A, p.Arg113His (NM_001281492.2); c.-179G>A (NM_001281493.2, NM_001281494.2); short protein forms R243H, R113H.
Identifiers: ClinVar variation 182611 (VCV000182611.34), dbSNP rs370157832, ClinGen allele CA016346.
Genomic context (GRCh38, chr2:47,798,711, plus strand): 5'-ATGAAATTGAGAGTGAAGAGGAAGTACAGCCTAAGACACAAGGATCTAGGCGAAGTAGCC[G>A]CCAAATAAAAAAACGAAGGGTCATATCAGATTCTGAGAGTGACATTGGTGGCTCTGATGT-3'
Protein context (NP_000170.1, residues 233-253): PKTQGSRRSS[Arg243His]QIKKRRVISD